The following is an entry in ClinVar:

NM_000836.4(GRIN2D):c.871C>A (p.Pro291Thr)

Gene: GRIN2D (glutamate ionotropic receptor NMDA type subunit 2D; plus strand). Cytogenetic location: 19q13.33.
Variant type: single nucleotide variant.
Coding change: c.871C>A on transcript NM_000836.4 (MANE Select); coding-DNA position 871, C replaced by A.
Protein change: p.Pro291Thr; replaces proline 291 with threonine.
Molecular consequence: missense variant.
Genome position (GRCh38, 1-based): chr19:48,405,139, C>A. VCF-style: chr19-48405139-C-A. GRCh37 (hg19) VCF-style: chr19-48908396-C-A.
Other names: c.871C>A (NM_000836.2); short protein forms P291T.
Identifiers: ClinVar variation 1502104 (VCV001502104.10), dbSNP rs753527945, ClinGen allele CA9550401.

ClinVar aggregate classification (germline): Uncertain significance. Review status: criteria provided, multiple submitters, no conflicts (2 of 4 stars). 2 submissions from 2 submitters: Uncertain significance (2). Last evaluated 2025-06-24.

Conditions:
Inborn genetic diseases. Identifiers: MedGen C0950123, MeSH D030342.

Allele frequency attached by ClinVar (database versions not stated): gnomAD 0.00001; gnomAD exomes 0.00001.
gnomAD v4.1: 26 of 1,573,350 alleles (0.0017%); highest among the groups gnomAD compares: Middle Eastern, 0.036%; no homozygotes.

Submissions (2):

Labcorp Genetics (formerly Invitae), Labcorp
Classification: Uncertain significance. Last evaluated: 2025-06-24. Review status: criteria provided, single submitter. Criteria: Invitae Variant Classification Sherloc (09022015). Collection method: clinical testing. Allele origin: germline.
Comment: This sequence change replaces proline, which is neutral and non-polar, with threonine, which is neutral and polar, at codon 291 of the GRIN2D protein (p.Pro291Thr). This variant is present in population databases (rs753527945, gnomAD 0.001%). This variant has not been reported in the literature in individuals affected with GRIN2D-related conditions. ClinVar contains an entry for this variant (Variation ID: 1502104). Invitae Evidence Modeling of protein sequence and biophysical properties (such as structural, functional, and spatial information, amino acid conservation, physicochemical variation, residue mobility, and thermodynamic stability) indicates that this missense variant is not expected to disrupt GRIN2D protein function with a negative predictive value of 95%. In summary, the available evidence is currently insufficient to determine the role of this variant in disease. Therefore, it has been classified as a Variant of Uncertain Significance.

Ambry Genetics
Classification: Uncertain significance for Inborn genetic diseases. Last evaluated: 2023-04-19. Review status: criteria provided, single submitter. Criteria: Ambry Variant Classification Scheme 2023. Collection method: clinical testing. Allele origin: germline.